The following is an entry in ClinVar:

ClinVar aggregate classification (germline): Uncertain significance (1 of 4 stars; one submission).

Submission:

GeneDx
Classification: Uncertain significance. Last evaluated: 2023-04-26. Review status: criteria provided, single submitter. Criteria: GeneDx Variant Classification Process June 2021. Collection method: clinical testing. Allele origin: germline. Affected: yes.
Comment: Not observed at significant frequency in large population cohorts (gnomAD); In silico analysis supports that this missense variant has a deleterious effect on protein structure/function; Has not been previously published as pathogenic or benign to our knowledge

NM_004999.4(MYO6):c.2165T>C (p.Met722Thr)

Gene: MYO6 (myosin VI; plus strand). Cytogenetic location: 6q14.1.
Variant type: single nucleotide variant.
Coding change: c.2165T>C on transcript NM_004999.4 (MANE Select); coding-DNA position 2165, T replaced by C.
Protein change: p.Met722Thr; replaces methionine 722 with threonine.
Molecular consequence: missense variant. On other transcripts: non-coding transcript variant (1).
Genome position (GRCh38, 1-based): chr6:75,879,907, T>C. VCF-style: chr6-75879907-T-C. GRCh37 (hg19) VCF-style: chr6-76589624-T-C.
Other names: c.2165T>C, p.Met722Thr (NM_001300899.2, NM_001368136.1, NM_001368137.1 and 2 more transcripts); c.2150T>C, p.Met717Thr (NM_001368138.1); short protein forms M717T, M722T.
Identifiers: ClinVar variation 2663036 (VCV002663036.1), dbSNP rs2535493162, ClinGen allele CA364772276.